The following is an entry in ClinVar:

ClinVar aggregate classification (germline): Uncertain significance (1 of 4 stars; one submission).

Conditions:
Hereditary cancer-predisposing syndrome. Also called: Tumor predisposition; Hereditary neoplastic syndrome; Hereditary Cancer Syndrome; Neoplastic Syndromes, Hereditary. Identifiers: Orphanet 140162, MedGen C0027672, MeSH D009386, MONDO:0015356.

gnomAD v4.1: 1 of 1,607,996 alleles (0.000062%); highest among the groups gnomAD compares: South Asian, 0.0011%; no homozygotes.

Submission:

Ambry Genetics
Classification: Uncertain significance for Hereditary cancer-predisposing syndrome. Last evaluated: 2025-04-21. Review status: criteria provided, single submitter. Criteria: Ambry Variant Classification Scheme 2023. Collection method: clinical testing. Allele origin: germline.
Comment: The p.P70A variant (also known as c.208C>G), located in coding exon 2 of the RAD50 gene, results from a C to G substitution at nucleotide position 208. The proline at codon 70 is replaced by alanine, an amino acid with highly similar properties. This amino acid position is conserved. In addition, this alteration is predicted to be tolerated by in silico analysis. Based on the available evidence, the clinical significance of this variant remains unclear.

NM_005732.4(RAD50):c.208C>G (p.Pro70Ala)

Gene: RAD50 (RAD50 double strand break repair protein; plus strand). Cytogenetic location: 5q31.1.
Variant type: single nucleotide variant.
Coding change: c.208C>G on transcript NM_005732.4 (MANE Select); coding-DNA position 208, C replaced by G.
Protein change: p.Pro70Ala; replaces proline 70 with alanine.
Molecular consequence: missense variant.
Genome position (GRCh38, 1-based): chr5:132,559,362, C>G. VCF-style: chr5-132559362-C-G. GRCh37 (hg19) VCF-style: chr5-131895054-C-G.
Other names: short protein forms P70A.
Identifiers: ClinVar variation 3942171 (VCV003942171.1).